The following is an entry in ClinVar:

ClinVar aggregate classification (germline): Uncertain significance. Review status: criteria provided, multiple submitters, no conflicts (2 of 4 stars). 2 submissions from 2 submitters: Uncertain significance (2). Last evaluated 2022-08-02.

Conditions:
Glutaric aciduria, type 1. Also called: GA I; Glutaric Acidemia Type 1; Glutaryl-CoA dehydrogenase deficiency; Glutaric acidemia type I; Glutaricacidemia Type 1; Glutaricaciduria, type I. Identifiers: Orphanet 25, MedGen C0268595, MONDO:0009281, OMIM 231670.

Allele frequency attached by ClinVar (database versions not stated): gnomAD exomes 0.00001; ExAC 0.00002.

Submissions (2):

Labcorp Genetics (formerly Invitae), Labcorp
Classification: Uncertain significance for Glutaric aciduria, type 1. Last evaluated: 2022-08-02. Review status: criteria provided, single submitter. Criteria: Invitae Variant Classification Sherloc (09022015). Collection method: clinical testing. Allele origin: germline.
Comment: This sequence change replaces glycine, which is neutral and non-polar, with glutamic acid, which is acidic and polar, at codon 241 of the GCDH protein (p.Gly241Glu). This variant is present in population databases (rs769520999, gnomAD 0.003%). This variant has not been reported in the literature in individuals affected with GCDH-related conditions. ClinVar contains an entry for this variant (Variation ID: 235475). Advanced modeling of protein sequence and biophysical properties (such as structural, functional, and spatial information, amino acid conservation, physicochemical variation, residue mobility, and thermodynamic stability) performed at Invitae indicates that this missense variant is expected to disrupt GCDH protein function. In summary, the available evidence is currently insufficient to determine the role of this variant in disease. Therefore, it has been classified as a Variant of Uncertain Significance.

Center for Pediatric Genomic Medicine, Children's Mercy Hospital and Clinics
Classification: Uncertain significance. Last evaluated: 2014-07-07. Review status: criteria provided, single submitter. Criteria: ACMG Guidelines, 2015. Collection method: clinical testing. Allele origin: germline.
ClinVar note: Converted during submission from Uncertain Significance to Uncertain significance.

NM_000159.4(GCDH):c.722G>A (p.Gly241Glu)

Gene: GCDH (glutaryl-CoA dehydrogenase; plus strand). Cytogenetic location: 19p13.13.
Variant type: single nucleotide variant.
Coding change: c.722G>A on transcript NM_000159.4 (MANE Select); coding-DNA position 722, G replaced by A.
Protein change: p.Gly241Glu; replaces glycine 241 with glutamic acid.
Molecular consequence: missense variant. On other transcripts: non-coding transcript variant (2).
Genome position (GRCh38, 1-based): chr19:12,896,291, G>A. VCF-style: chr19-12896291-G-A. GRCh37 (hg19) VCF-style: chr19-13007105-G-A.
Other names: c.722G>A, p.Gly241Glu (NM_013976.5); short protein forms G241E.
Identifiers: ClinVar variation 235475 (VCV000235475.5), dbSNP rs769520999, ClinGen allele CA9234469.